The following is an entry in ClinVar:

NM_020442.6(VARS2):c.986-14A>G

Gene: VARS2 (valyl-tRNA synthetase 2, mitochondrial; plus strand). Cytogenetic location: 6p21.33.
Variant type: single nucleotide variant.
Coding change: c.986-14A>G on transcript NM_020442.6 (MANE Select); 14 bases into the intron before coding-DNA position 986, A replaced by G.
Molecular consequence: intron variant.
Genome position (GRCh38, 1-based): chr6:30,918,813, A>G. VCF-style: chr6-30918813-A-G. GRCh37 (hg19) VCF-style: chr6-30886590-A-G.
Other names: c.1076-14A>G (NM_001167734.2); c.566-14A>G (NM_001167733.3).
Identifiers: ClinVar variation 522815 (VCV000522815.3), dbSNP rs1297230026, ClinGen allele CA658796731.

ClinVar aggregate classification (germline): Uncertain significance (1 of 4 stars; one submission).

Conditions:
Combined oxidative phosphorylation defect type 20. Also called: Combined oxidative phosphorylation deficiency 20. Identifiers: Orphanet 420728, MedGen C4014660, MONDO:0014397, OMIM 615917.

Submission:

Undiagnosed Diseases Network, NIH
Classification: Uncertain significance for Combined oxidative phosphorylation defect type 20. Last evaluated: 2017-05-04. Review status: criteria provided, single submitter. Criteria: ACMG Guidelines, 2015. Collection method: clinical testing. Allele origin: maternal. Inheritance: Autosomal recessive inheritance. Affected: yes. Observed: 1 variant allele, 1 compound heterozygote. Study: Undiagnosed Diseases Network (NIH), UDN.